The following is an entry in ClinVar:

ClinVar aggregate classification (germline): Uncertain significance. Review status: criteria provided, multiple submitters, no conflicts (2 of 4 stars). 3 submissions from 3 submitters: Uncertain significance (3). Last evaluated 2025-02-05.

Conditions:
Rhabdoid tumor predisposition syndrome 2 (RTPS2). Identifiers: Orphanet 231108, Orphanet 69077, MedGen C2750074, MONDO:0013224, OMIM 613325.
Hereditary cancer-predisposing syndrome. Also called: Neoplastic Syndromes, Hereditary; Tumor predisposition; Hereditary neoplastic syndrome; Hereditary Cancer Syndrome. Identifiers: Orphanet 140162, MedGen C0027672, MeSH D009386, MONDO:0015356.

Submissions (3):

Labcorp Genetics (formerly Invitae), Labcorp
Classification: Uncertain significance for Rhabdoid tumor predisposition syndrome 2. Last evaluated: 2025-02-05. Review status: criteria provided, single submitter. Criteria: Invitae Variant Classification Sherloc (09022015). Collection method: clinical testing. Allele origin: germline.
Comment: This sequence change replaces methionine, which is neutral and non-polar, with lysine, which is basic and polar, at codon 1562 of the SMARCA4 protein (p.Met1562Lys). This variant is not present in population databases (gnomAD no frequency). This variant has not been reported in the literature in individuals affected with SMARCA4-related conditions. ClinVar contains an entry for this variant (Variation ID: 825095). Invitae Evidence Modeling of protein sequence and biophysical properties (such as structural, functional, and spatial information, amino acid conservation, physicochemical variation, residue mobility, and thermodynamic stability) has been performed for this missense variant. However, the output from this modeling did not meet the statistical confidence thresholds required to predict the impact of this variant on SMARCA4 protein function. In summary, the available evidence is currently insufficient to determine the role of this variant in disease. Therefore, it has been classified as a Variant of Uncertain Significance.

Ambry Genetics
Classification: Uncertain significance for Hereditary cancer-predisposing syndrome. Last evaluated: 2022-05-23. Review status: criteria provided, single submitter. Criteria: Ambry Variant Classification Scheme 2023. Collection method: clinical testing. Allele origin: germline.
Comment: The p.M1562K variant (also known as c.4685T>A), located in coding exon 32 of the SMARCA4 gene, results from a T to A substitution at nucleotide position 4685. The methionine at codon 1562 is replaced by lysine, an amino acid with similar properties. This amino acid position is well conserved in available vertebrate species. In addition, the in silico prediction for this alteration is inconclusive. Missense and in-frame variants in SMARCA4 are known to cause neurodevelopmental disorders; however, such associations with rhabdoid tumor predisposition syndrome including small cell carcinoma of the ovary-hypercalcemic type (SCCOHT) are exceedingly rare (Kosho T et al. Am J Med Genet C Semin Med Genet. 2014 Sep;166C(3):262-75; Jelinic P et al. Nat Genet. 2014 May;46(5):424-6). Based on the supporting evidence, the association of this alteration with Coffin-Siris syndrome is unknown; however, the association of this alteration with rhabdoid tumor predisposition syndrome is unlikely.

GeneDx
Classification: Uncertain significance. Last evaluated: 2022-04-12. Review status: criteria provided, single submitter. Criteria: GeneDx Variant Classification Process June 2021. Collection method: clinical testing. Allele origin: germline. Affected: yes.
Comment: Not observed at significant frequency in large population cohorts (gnomAD); In silico analysis supports that this missense variant has a deleterious effect on protein structure/function; Has not been previously published as pathogenic or benign to our knowledge; Also known as c.4589T>A, p.(M1530K); This variant is associated with the following publications: (PMID: 24658002)

NM_003072.5(SMARCA4):c.4589T>A (p.Met1530Lys)

Gene: SMARCA4 (SWI/SNF related BAF chromatin remodeling complex subunit ATPase 4; plus strand). Cytogenetic location: 19p13.2.
Variant type: single nucleotide variant.
Coding change: c.4589T>A on transcript NM_003072.5 (MANE Select); coding-DNA position 4589, T replaced by A.
Protein change: p.Met1530Lys; replaces methionine 1530 with lysine.
Molecular consequence: missense variant. On other transcripts: non-coding transcript variant (1).
Genome position (GRCh38, 1-based): chr19:11,058,843, T>A. VCF-style: chr19-11058843-T-A. GRCh37 (hg19) VCF-style: chr19-11169519-T-A.
Other names: c.4589T>A, p.Met1530Lys (NM_001128844.3); c.4499T>A, p.Met1500Lys (NM_001128845.2); c.4496T>A, p.Met1499Lys (NM_001128846.2); c.4490T>A, p.Met1497Lys (NM_001128847.4, NM_001374457.1); c.4487T>A, p.Met1496Lys (NM_001128848.2); c.4685T>A, p.Met1562Lys (NM_001128849.3); short protein forms M1500K, M1562K, M1497K, M1496K, M1499K, M1530K.
Identifiers: ClinVar variation 825095 (VCV000825095.10), dbSNP rs1600635680, ClinGen allele CA404078930.